The following is an entry in ClinVar:

ClinVar aggregate classification (germline): Uncertain significance. Review status: criteria provided, multiple submitters, no conflicts (2 of 4 stars). 2 submissions from 2 submitters: Uncertain significance (2). Last evaluated 2024-07-20.

Conditions:
Catecholaminergic polymorphic ventricular tachycardia (CVPT). Also called: Catecholamine-induced polymorphic ventricular tachycardia. Identifiers: Orphanet 3286, MedGen C5574922, MONDO:0017990.
Cardiomyopathy (CMYO). Also called: Cardiomyopathies. Identifiers: Orphanet 167848, MedGen C0878544, MONDO:0004994, HP:0001638. Inheritance: Various modes of inheritance.

gnomAD v4.1: 3 of 1,613,930 alleles (0.00019%); highest among the groups gnomAD compares: Non-Finnish European, 0.00017%; no homozygotes.

Submissions (2):

All of Us Research Program, National Institutes of Health
Classification: Uncertain significance for Catecholaminergic polymorphic ventricular tachycardia. Last evaluated: 2024-07-20. Review status: criteria provided, single submitter. Criteria: ACMG Guidelines, 2015. Collection method: clinical testing. Allele origin: germline. Inheritance: Autosomal dominant inheritance. Observed: 4 variant alleles, 4 heterozygotes.
Comment: This missense variant replaces serine with cysteine at codon 307 of the RYR2 protein. Computational prediction is inconclusive regarding the impact of this variant on protein structure and function (internally defined REVEL score threshold 0.5 < inconclusive < 0.7, PMID: 27666373). Splice site prediction tools suggest that this variant may not impact RNA splicing. To our knowledge, functional studies have not been performed for this variant. This variant has not been reported in individuals affected with cardiovascular disorders in the literature. This variant has not been identified in the general population by the Genome Aggregation Database (gnomAD). The available evidence is insufficient to determine the role of this variant in disease conclusively. Therefore, this variant is classified as a Variant of Uncertain Significance.

This study involves interpretation of variants in research participants for the purpose of population health screening. Participant phenotype was not available at the time of variant classification. Additional details can be found in publication PMID: 35346344, PMCID: PMC8962531

Color Diagnostics, LLC DBA Color Health
Classification: Uncertain significance for Cardiomyopathy. Last evaluated: 2024-03-06. Review status: criteria provided, single submitter. Criteria: ACMG Guidelines, 2015. Collection method: clinical testing. Allele origin: germline.
Comment: This missense variant replaces serine with cysteine at codon 307 of the RYR2 protein. Computational prediction is inconclusive regarding the impact of this variant on protein structure and function (internally defined REVEL score threshold 0.5 < inconclusive < 0.7, PMID: 27666373). To our knowledge, functional studies have not been reported for this variant. This variant has not been reported in individuals affected with RYR2-related disorders in the literature. This variant has not been identified in the general population by the Genome Aggregation Database (gnomAD). The available evidence is insufficient to determine the role of this variant in disease conclusively. Therefore, this variant is classified as a Variant of Uncertain Significance.

NM_001035.3(RYR2):c.919A>T (p.Ser307Cys)

Gene: RYR2 (ryanodine receptor 2; plus strand). Cytogenetic location: 1q43.
Variant type: single nucleotide variant.
Coding change: c.919A>T on transcript NM_001035.3 (MANE Select); coding-DNA position 919, A replaced by T.
Protein change: p.Ser307Cys; replaces serine 307 with cysteine.
Molecular consequence: missense variant.
Genome position (GRCh38, 1-based): chr1:237,423,162, A>T. VCF-style: chr1-237423162-A-T. GRCh37 (hg19) VCF-style: chr1-237586462-A-T.
Other names: short protein forms S307C.
Identifiers: ClinVar variation 925552 (VCV000925552.7), dbSNP rs1705767586, ClinGen allele CA345385348.